The following is an entry in ClinVar:

NM_022455.5(NSD1):c.3760C>A (p.Pro1254Thr)

Gene: NSD1 (nuclear receptor binding SET domain protein 1; plus strand). Cytogenetic location: 5q35.3.
Variant type: single nucleotide variant.
Coding change: c.3760C>A on transcript NM_022455.5 (MANE Select); coding-DNA position 3760, C replaced by A.
Protein change: p.Pro1254Thr; replaces proline 1254 with threonine.
Molecular consequence: missense variant.
Genome position (GRCh38, 1-based): chr5:177,212,159, C>A. VCF-style: chr5-177212159-C-A. GRCh37 (hg19) VCF-style: chr5-176639160-C-A.
Other names: c.2887C>A, p.Pro963Thr (NM_001409307.1, NM_001409308.1, NM_001409309.1 and 3 more transcripts); c.3760C>A, p.Pro1254Thr (NM_001409301.1, NM_001409302.1, NM_001409303.1); c.3340C>A, p.Pro1114Thr (NM_001409304.1); c.3007C>A, p.Pro1003Thr (NM_001409305.1); short protein forms P1254T, P985T, P1114T, P963T, P1003T.
Identifiers: ClinVar variation 1335610 (VCV001335610.37), dbSNP rs1035426339, ClinGen allele CA132831787.

ClinVar aggregate classification (germline): Uncertain significance. Review status: criteria provided, multiple submitters, no conflicts (2 of 4 stars). 2 submissions from 2 submitters: Uncertain significance (2). Last evaluated 2024-03-15.

Allele frequency attached by ClinVar (database versions not stated): gnomAD exomes below 0.00001.
gnomAD v4.1: 1 of 1,613,934 alleles (0.000062%); highest among the groups gnomAD compares: Non-Finnish European, 0.000085%; no homozygotes.

Submissions (2):

Labcorp Genetics (formerly Invitae), Labcorp
Classification: Uncertain significance. Last evaluated: 2024-03-15. Review status: criteria provided, single submitter. Criteria: Invitae Variant Classification Sherloc (09022015). Collection method: clinical testing. Allele origin: germline.
Comment: This sequence change replaces proline, which is neutral and non-polar, with threonine, which is neutral and polar, at codon 1254 of the NSD1 protein (p.Pro1254Thr). This variant is not present in population databases (gnomAD no frequency). This variant has not been reported in the literature in individuals affected with NSD1-related conditions. ClinVar contains an entry for this variant (Variation ID: 1335610). Advanced modeling of protein sequence and biophysical properties (such as structural, functional, and spatial information, amino acid conservation, physicochemical variation, residue mobility, and thermodynamic stability) performed at Invitae indicates that this missense variant is not expected to disrupt NSD1 protein function with a negative predictive value of 95%. In summary, the available evidence is currently insufficient to determine the role of this variant in disease. Therefore, it has been classified as a Variant of Uncertain Significance.

CeGaT Center for Human Genetics Tuebingen
Classification: Uncertain significance. Last evaluated: 2021-10-01. Review status: criteria provided, single submitter. Criteria: CeGaT Center For Human Genetics Tuebingen Variant Classification Criteria Version 2. Collection method: clinical testing. Allele origin: germline. Affected: yes. Observed: 3 variant alleles.